The following is an entry in ClinVar:

ClinVar aggregate classification (germline): Uncertain significance (1 of 4 stars; one submission).

Conditions:
Hermansky-Pudlak syndrome 2 (HPS2). Also called: Platelet defects and oculocutaneous albinism. Identifiers: Orphanet 183678, Orphanet 79430, MedGen C1842362, MONDO:0011997, OMIM 608233.

Allele frequency attached by ClinVar (database versions not stated): ExAC 0.00001.
gnomAD v4.1: 1 of 1,614,060 alleles (0.000062%); highest among the groups gnomAD compares: South Asian, 0.0011%; no homozygotes.

Submission:

Labcorp Genetics (formerly Invitae), Labcorp
Classification: Uncertain significance for Hermansky-Pudlak syndrome 2. Last evaluated: 2024-11-19. Review status: criteria provided, single submitter. Criteria: Invitae Variant Classification Sherloc (09022015). Collection method: clinical testing. Allele origin: germline.
Comment: This sequence change replaces glutamine, which is neutral and polar, with histidine, which is basic and polar, at codon 891 of the AP3B1 protein (p.Gln891His). This variant is present in population databases (rs770455413, gnomAD 0.003%). This variant has not been reported in the literature in individuals affected with AP3B1-related conditions. ClinVar contains an entry for this variant (Variation ID: 568074). An algorithm developed to predict the effect of missense changes on protein structure and function (PolyPhen-2) suggests that this variant is likely to be tolerated. In summary, the available evidence is currently insufficient to determine the role of this variant in disease. Therefore, it has been classified as a Variant of Uncertain Significance.

NM_003664.5(AP3B1):c.2673G>C (p.Gln891His)

Gene: AP3B1 (adaptor related protein complex 3 subunit beta 1; minus strand). Cytogenetic location: 5q14.1.
Variant type: single nucleotide variant.
Coding change: c.2673G>C on transcript NM_003664.5 (MANE Select); coding-DNA position 2673, G replaced by C.
Protein change: p.Gln891His; replaces glutamine 891 with histidine.
Molecular consequence: missense variant.
Genome position (GRCh38, 1-based): chr5:78,039,179, C>G on the plus strand (G>C on the coding strand, the complement: AP3B1 is on the minus strand). VCF-style: chr5-78039179-C-G. GRCh37 (hg19) VCF-style: chr5-77335003-C-G.
Other names: c.2526G>C, p.Gln842His (NM_001271769.2); short protein forms Q891H, Q842H.
Identifiers: ClinVar variation 568074 (VCV000568074.8), dbSNP rs770455413, ClinGen allele CA3316702.